The following is an entry in ClinVar:

NM_001365536.1(SCN9A):c.1513T>G (p.Ser505Ala)

Genes: SCN9A (sodium voltage-gated channel alpha subunit 9; minus strand), SCN1A-AS1 (SCN1A and SCN9A antisense RNA 1; plus strand). Cytogenetic location: 2q24.3.
Variant type: single nucleotide variant.
Coding change: c.1513T>G on transcript NM_001365536.1 (MANE Select); coding-DNA position 1513, T replaced by G.
Protein change: p.Ser505Ala; replaces serine 505 with alanine.
Molecular consequence: missense variant.
Genome position (GRCh38, 1-based): chr2:166,286,425, A>C on the plus strand (T>G on the coding strand, the complement: SCN9A is on the minus strand). VCF-style: chr2-166286425-A-C. GRCh37 (hg19) VCF-style: chr2-167142935-A-C.
Other names: c.1513T>G, p.Ser505Ala (NM_002977.4); short protein forms S505A.
Identifiers: ClinVar variation 2941980 (VCV002941980.3), dbSNP rs2468040011, ClinGen allele CA349084564.

ClinVar aggregate classification (germline): Uncertain significance (1 of 4 stars; one submission).

Conditions:
Neuropathy, hereditary sensory and autonomic, type 2A (HSAN2A). Also called: ACROOSTEOLYSIS, GIACCAI TYPE; ACROOSTEOLYSIS, NEUROGENIC; MORVAN DISEASE; NEUROPATHY, CONGENITAL SENSORY; NEUROPATHY, HEREDITARY SENSORY RADICULAR, AUTOSOMAL RECESSIVE; NEUROPATHY, HEREDITARY SENSORY, TYPE IIA. Identifiers: Orphanet 970, MedGen C2752089, MONDO:0024309, OMIM 201300.
Generalized epilepsy with febrile seizures plus, type 7 (GEFSP7). Also called: GEFS+, TYPE 7. Identifiers: Orphanet 36387, MedGen C2751778, MONDO:0013470, OMIM 613863.

Submission:

Labcorp Genetics (formerly Invitae), Labcorp
Classification: Uncertain significance for Neuropathy, hereditary sensory and autonomic, type 2A; Generalized epilepsy with febrile seizures plus, type 7. Last evaluated: 2022-12-02. Review status: criteria provided, single submitter. Criteria: Invitae Variant Classification Sherloc (09022015). Collection method: clinical testing. Allele origin: germline.
Comment: This sequence change replaces serine, which is neutral and polar, with alanine, which is neutral and non-polar, at codon 505 of the SCN9A protein (p.Ser505Ala). In summary, the available evidence is currently insufficient to determine the role of this variant in disease. Therefore, it has been classified as a Variant of Uncertain Significance. Advanced modeling of protein sequence and biophysical properties (such as structural, functional, and spatial information, amino acid conservation, physicochemical variation, residue mobility, and thermodynamic stability) performed at Invitae indicates that this missense variant is not expected to disrupt SCN9A protein function. This variant has not been reported in the literature in individuals affected with SCN9A-related conditions. This variant is not present in population databases (gnomAD no frequency).